The following is an entry in ClinVar:

NM_001009944.3(PKD1):c.7640del (p.Phe2547fs)

Gene: PKD1 (polycystin 1, transient receptor potential channel interacting; minus strand). Cytogenetic location: 16p13.3.
Variant type: Deletion.
Coding change: c.7640del on transcript NM_001009944.3 (MANE Select); coding-DNA position 7640, one base deleted (T; older notation c.7640delT).
Protein change: p.Phe2547fs; shifts the reading frame from phenylalanine 2547.
Molecular consequence: frameshift variant.
Genome position (GRCh38, 1-based): chr16:2,106,154, A deleted on the plus strand (T on the coding strand, the reverse complement: PKD1 is on the minus strand); the first of 2 consecutive A bases (chr16:2,106,154-2,106,155); deleting either gives the same sequence. VCF-style (leftmost placement, unchanged base first): chr16-2106153-GA-G. GRCh37 (hg19) VCF-style: chr16-2156154-GA-G.
Other names: c.7640delT (NM_001009944.2); c.7640del, p.Phe2547fs (NM_000296.4); short protein forms F2547fs.
Identifiers: ClinVar variation 4997560 (VCV004997560.1).

ClinVar aggregate classification (germline): Pathogenic (1 of 4 stars; one submission).

Conditions:
PKD1-related disorder. Also called: PKD1-related condition.

Submission:

PreventionGenetics, part of Exact Sciences
Classification: Pathogenic for PKD1-related condition. Last evaluated: 2024-10-08. Review status: criteria provided, single submitter. Criteria: ACMG Guidelines, 2015. Collection method: clinical testing. Allele origin: germline.
Comment: The PKD1 c.7640delT variant is predicted to result in a frameshift and premature protein termination (p.Phe2547Serfs*73). To our knowledge, this variant has not been reported in the literature or in a large population database (gnomAD), indicating this variant is rare. Frameshift variants in PKD1 are expected to be pathogenic. This variant is interpreted as pathogenic.